The following is an entry in ClinVar:

NM_014921.5(ADGRL1):c.3715C>G (p.Leu1239Val)

Genes: ADGRL1 (adhesion G protein-coupled receptor L1; minus strand), ADGRL1-AS1 (ADGRL1 antisense RNA 1; plus strand). Cytogenetic location: 19p13.12.
Variant type: single nucleotide variant.
Coding change: c.3715C>G on transcript NM_014921.5 (MANE Select); coding-DNA position 3715, C replaced by G.
Protein change: p.Leu1239Val; replaces leucine 1239 with valine.
Molecular consequence: missense variant.
Genome position (GRCh38, 1-based): chr19:14,151,568, G>C on the plus strand (C>G on the coding strand, the complement: ADGRL1 is on the minus strand). VCF-style: chr19-14151568-G-C. GRCh37 (hg19) VCF-style: chr19-14262380-G-C.
Other names: c.3730C>G, p.Leu1244Val (NM_001008701.3); short protein forms L1244V, L1239V.
Identifiers: ClinVar variation 4999384 (VCV004999384.1).

ClinVar aggregate classification (germline): Uncertain significance (1 of 4 stars; one submission).

Conditions:
ADGRL1-related condition.

gnomAD v4.1: 1 of 1,609,516 alleles (0.000062%); highest among the groups gnomAD compares: African/African-American, 0.0013%; no homozygotes.

Submission:

PreventionGenetics, part of Exact Sciences
Classification: Uncertain significance for ADGRL1-related condition. Last evaluated: 2025-02-28. Review status: criteria provided, single submitter. Criteria: ACMG Guidelines, 2015. Collection method: clinical testing. Allele origin: germline.
Comment: The ADGRL1 c.3730C>G variant is predicted to result in the amino acid substitution p.Leu1244Val. To our knowledge, this variant has not been reported in the literature or in a large population database (gnomAD), indicating this variant is rare. At this time, the clinical significance of this variant is uncertain due to the absence of conclusive functional and genetic evidence.